The following is an entry in ClinVar:

ClinVar aggregate classification (germline): Conflicting classifications of pathogenicity. Review status: criteria provided, conflicting classifications (1 of 4 stars). 5 submissions from 5 submitters: Uncertain significance (4); Benign (1). Last evaluated 2025-08-26.

Conditions:
Collagen 6-related myopathy. Identifiers: MedGen CN117976, MONDO:0100225.
Bethlem myopathy 1A. Also called: MYOPATHY, BENIGN CONGENITAL, WITH CONTRACTURES; Bethlem myopathy 1; Bethlem Muscular Dystrophy. Identifiers: Orphanet 610, MedGen CN029274, MONDO:0024530, OMIM 158810.

Allele frequency attached by ClinVar (database versions not stated): gnomAD exomes 0.00003; gnomAD 0.00005; TOPMed 0.00005.

Submissions (5):

Labcorp Genetics (formerly Invitae), Labcorp
Classification: Benign for Bethlem myopathy 1A. Last evaluated: 2025-08-26. Review status: criteria provided, single submitter. Criteria: Invitae Variant Classification Sherloc (09022015). Collection method: clinical testing. Allele origin: germline.

Revvity Omics, Revvity
Classification: Uncertain significance. Last evaluated: 2025-01-29. Review status: criteria provided, single submitter. Criteria: ACMG Guidelines, 2015. Collection method: clinical testing. Allele origin: germline.

Institute of Human Genetics, University of Goettingen
Classification: Uncertain significance for Bethlem myopathy 1A. Last evaluated: 2020-09-16. Review status: criteria provided, single submitter. Criteria: ACMG Guidelines, 2015. Collection method: clinical testing. Allele origin: unknown. Inheritance: Autosomal dominant inheritance. Affected: yes. Observed: 1 heterozygote.
Comment: ACMG criteria used for classification: PM1, PM2, PP2, BP4

GeneDx
Classification: Uncertain significance. Last evaluated: 2020-06-22. Review status: criteria provided, single submitter. Criteria: GeneDx Variant Classification Process June 2021. Collection method: clinical testing. Allele origin: germline. Affected: yes.
Comment: Has not been previously published as pathogenic or benign to our knowledge; In silico analysis supports that this missense variant does not alter protein structure/function

Illumina Laboratory Services, Illumina
Classification: Uncertain significance for Collagen VI-related myopathy. Last evaluated: 2018-01-12. Review status: criteria provided, single submitter. Criteria: ICSL Variant Classification Criteria 13 December 2019. Collection method: clinical testing. Allele origin: germline.

NM_001848.3(COL6A1):c.1694G>A (p.Arg565Gln)

Gene: COL6A1 (collagen type VI alpha 1 chain; plus strand). Cytogenetic location: 21q22.3.
Variant type: single nucleotide variant.
Coding change: c.1694G>A on transcript NM_001848.3 (MANE Select); coding-DNA position 1694, G replaced by A.
Protein change: p.Arg565Gln; replaces arginine 565 with glutamine.
Molecular consequence: missense variant.
Genome position (GRCh38, 1-based): chr21:45,999,172, G>A. VCF-style: chr21-45999172-G-A. GRCh37 (hg19) VCF-style: chr21-47419086-G-A.
Other names: short protein forms R565Q.
Identifiers: ClinVar variation 340321 (VCV000340321.22), dbSNP rs886057155, ClinGen allele CA10644868.
Genomic context (GRCh38, chr21:45,999,172, plus strand): 5'-GGTGGTGCACGGTCTGTTGACACAACGCTGTTCCCTTCTAGAACAACGACATTGCACCCC[G>A]AGGAGTCAAAGGAGCAAAGGGGTACCGGGGTCCCGAGGGCCCCCAGGTGGGTGGATGTGG-3'
Protein context (NP_001839.2, residues 555-575): PGDDNNDIAP[Arg565Gln]GVKGAKGYRG